The following is an entry in ClinVar:

ClinVar aggregate classification (germline): Benign/Likely benign. Review status: criteria provided, multiple submitters, no conflicts (2 of 4 stars). 3 submissions from 3 submitters: Benign (1); Likely benign (2). Last evaluated 2025-09-29.

Conditions:
Short stature due to growth hormone secretagogue receptor deficiency (GHDP). Also called: Short stature due to GHSR deficiency. Identifiers: Orphanet 314811, MedGen C5887324, MONDO:0014403, OMIM 615925.

Allele frequency attached by ClinVar (database versions not stated): gnomAD below 0.00001 and 0.00025; TOPMed 0.00003; gnomAD exomes 0.00040 and 0.00078; ExAC 0.00089; 1000 Genomes Project 30x 0.00187; 1000 Genomes Project 0.00220.
gnomAD v4.1: 615 of 1,614,170 alleles (0.038%); highest among the groups gnomAD compares: South Asian, 0.63%; 5 homozygotes.

Submissions (3):

Labcorp Genetics (formerly Invitae), Labcorp
Classification: Benign. Last evaluated: 2025-09-29. Review status: criteria provided, single submitter. Criteria: Invitae Variant Classification Sherloc (09022015). Collection method: clinical testing. Allele origin: germline.

Blueprint Genetics
Classification: Likely benign. Last evaluated: 2024-11-22. Review status: criteria provided, single submitter. Criteria: ACMG Guidelines, 2015. Collection method: clinical testing. Allele origin: germline.

Illumina Laboratory Services, Illumina
Classification: Likely benign for Short stature due to growth hormone secretagogue receptor deficiency. Last evaluated: 2018-01-12. Review status: criteria provided, single submitter. Criteria: ICSL Variant Classification Criteria 13 December 2019. Collection method: clinical testing. Allele origin: germline.
Comment: This variant was observed in the ICSL laboratory as part of a predisposition screen in an ostensibly healthy population. It had not been previously curated by ICSL or reported in the Human Gene Mutation Database (HGMD: prior to June 1st, 2018), and was therefore a candidate for classification through an automated scoring system. Utilizing variant allele frequency, disease prevalence and penetrance estimates, and inheritance mode, an automated score was calculated to assess if this variant is too frequent to cause the disease. Based on the score and internal cut-off values, a variant classified as likely benign is not then subjected to further curation. The score for this variant resulted in a classification of likely benign for this disease.

NM_198407.2(GHSR):c.210C>T (p.Arg70=)

Gene: GHSR (growth hormone secretagogue receptor; minus strand). Cytogenetic location: 3q26.31.
Variant type: single nucleotide variant.
Coding change: c.210C>T on transcript NM_198407.2 (MANE Select); coding-DNA position 210, C replaced by T.
Protein change: p.Arg70=; no amino-acid change (arginine 70 retained).
Molecular consequence: synonymous variant.
Genome position (GRCh38, 1-based): chr3:172,448,204, G>A on the plus strand (C>T on the coding strand, the complement: GHSR is on the minus strand). VCF-style: chr3-172448204-G-A. GRCh37 (hg19) VCF-style: chr3-172165994-G-A.
Other names: c.210C>T, p.Arg70= (NM_004122.2).
Identifiers: ClinVar variation 901379 (VCV000901379.12), dbSNP rs200978184, ClinGen allele CA2706506.